The following is an entry in ClinVar:

NC_000014.9:g.(?_75745095)_(75783530_?)del

Gene: TTLL5 (tubulin tyrosine ligase like 5; plus strand). Cytogenetic location: 14q24.3.
Variant type: Deletion.
Identifiers: ClinVar variation 832921 (VCV000832921.6).

ClinVar aggregate classification (germline): Pathogenic (1 of 4 stars; one submission).

Submission:

Labcorp Genetics (formerly Invitae), Labcorp
Classification: Pathogenic. Last evaluated: 2022-02-04. Review status: criteria provided, single submitter. Criteria: Invitae Variant Classification Sherloc (09022015). Collection method: clinical testing. Allele origin: germline.
Comment: For these reasons, this variant has been classified as Pathogenic. A similar copy number variant has been observed in individual(s) with cone-rod dystrophy (PMID: 32783370). This variant is a gross deletion of the genomic region encompassing exon(s) 16-26 of the TTLL5 gene. This deletion is out-of-frame, and is expected to create a premature termination codon and result in an absent or disrupted protein product. Loss-of-function variants in TTLL5 are known to be pathogenic (PMID: 24791901, 27162334).

Literature cited by the submitters: PubMed 32783370; PubMed 24791901; PubMed 27162334.